The following is an entry in ClinVar:

NM_000381.4(MID1):c.778G>A (p.Ala260Thr)

Gene: MID1 (midline 1; minus strand). Cytogenetic location: Xp22.2.
Variant type: single nucleotide variant.
Coding change: c.778G>A on transcript NM_000381.4 (MANE Select); coding-DNA position 778, G replaced by A.
Protein change: p.Ala260Thr; replaces alanine 260 with threonine.
Molecular consequence: missense variant.
Genome position (GRCh38, 1-based): chrX:10,495,670, C>T on the plus strand (G>A on the coding strand, the complement: MID1 is on the minus strand). VCF-style: chrX-10495670-C-T. GRCh37 (hg19) VCF-style: chrX-10463710-C-T.
Other names: c.778G>A, p.Ala260Thr (NM_001098624.2, NM_001193277.1, NM_001193279.1 and 2 more transcripts); c.931G>A, p.Ala311Thr (NM_001193278.1); c.664G>A, p.Ala222Thr (NM_001193280.1, NM_033289.2); short protein forms A222T, A260T, A311T.
Identifiers: ClinVar variation 2691686 (VCV002691686.4), dbSNP rs781707475, ClinGen allele CA10347618.
Genomic context (GRCh38, chrX:10,495,670, plus strand): 5'-TAATCTGTCGTCTTTGCTGAATGATCTCAATGAGAAGATCACACTCCTCTGTCAATTTGG[C>T]TTCTTGACGTGATGCATTGACCTACAGGATAAGTACAATGGTAAGTGTTAATTTGGCCTT-3'
Protein context (NP_000372.1, residues 250-270): HVEVNASRQE[Ala260Thr]KLTEECDLLI

ClinVar aggregate classification (germline): Conflicting classifications of pathogenicity. Review status: criteria provided, conflicting classifications (1 of 4 stars). 2 submissions from 2 submitters: Uncertain significance (1); Benign (1). Last evaluated 2025-11-10.

Allele frequency attached by ClinVar (database versions not stated): gnomAD exomes 0.00002; TOPMed 0.00007; gnomAD 0.00002; ExAC 0.00006.
gnomAD v4.1: 19 of 1,204,780 alleles (0.0016%); highest among the groups gnomAD compares: Admixed American, 0.037%; no homozygotes.

Submissions (2):

Labcorp Genetics (formerly Invitae), Labcorp
Classification: Benign. Last evaluated: 2025-11-10. Review status: criteria provided, single submitter. Criteria: Invitae Variant Classification Sherloc (09022015). Collection method: clinical testing. Allele origin: germline.

Women's Health and Genetics/Laboratory Corporation of America, LabCorp
Classification: Uncertain significance. Last evaluated: 2023-12-14. Review status: criteria provided, single submitter. Criteria: LabCorp Variant Classification Summary - May 2015. Collection method: clinical testing. Allele origin: germline.
Comment: Variant summary: MID1 c.778G>A (p.Ala260Thr) results in a non-conservative amino acid change in the encoded protein sequence. Three of five in-silico tools predict a benign effect of the variant on protein function. The variant allele was found at a frequency of 8.7e-05 in 183106 control chromosomes. This frequency is not significantly higher than estimated for a pathogenic variant in MID1 causing Opitz G/BBB syndrome (8.7e-05 vs 0.0025), allowing no conclusion about variant significance. To our knowledge, no experimental evidence demonstrating an impact on protein function has been reported. No submitters have cited clinical-significance assessments for this variant to ClinVar after 2014. Based on the evidence outlined above, the variant was classified as uncertain significance.

Literature cited by the submitters: PubMed 24321989 (cited by Women's Health and Genetics/Laboratory Corporation of America, LabCorp).